The following is an entry in ClinVar:

NM_000918.4(P4HB):c.1056+8C>T

Gene: P4HB (prolyl 4-hydroxylase subunit beta; minus strand). Cytogenetic location: 17q25.3.
Variant type: single nucleotide variant.
Coding change: c.1056+8C>T on transcript NM_000918.4 (MANE Select); 8 bases into the intron after coding-DNA position 1056, C replaced by T.
Molecular consequence: intron variant.
Genome position (GRCh38, 1-based): chr17:81,846,421, G>A on the plus strand (C>T on the coding strand, the complement: P4HB is on the minus strand). VCF-style: chr17-81846421-G-A. GRCh37 (hg19) VCF-style: chr17-79804297-G-A.
Identifiers: ClinVar variation 4797409 (VCV004797409.1).

ClinVar aggregate classification (germline): Uncertain significance (1 of 4 stars; one submission).

gnomAD v4.1: 6 of 1,612,818 alleles (0.00037%); highest among the groups gnomAD compares: Admixed American, 0.0017%; no homozygotes.

Submission:

Labcorp Genetics (formerly Invitae), Labcorp
Classification: Uncertain significance. Last evaluated: 2025-09-28. Review status: criteria provided, single submitter. Criteria: Invitae Variant Classification Sherloc (09022015). Collection method: clinical testing. Allele origin: germline.
Comment: This sequence change falls in intron 7 of the P4HB gene. It does not directly change the encoded amino acid sequence of the P4HB protein. This variant is present in population databases (rs766534428, gnomAD 0.003%). This variant has not been reported in the literature in individuals affected with P4HB-related conditions. Algorithms developed to predict the effect of sequence changes on RNA splicing suggest that this variant may disrupt the consensus splice site. In summary, the available evidence is currently insufficient to determine the role of this variant in disease. Therefore, it has been classified as a Variant of Uncertain Significance.